The following is an entry in ClinVar:

ClinVar aggregate classification (germline): Likely benign. Review status: criteria provided, multiple submitters, no conflicts (2 of 4 stars). 4 submissions from 4 submitters: Likely benign (3). 1 of the submissions does not count toward it. Last evaluated 2025-06-17.

Conditions:
Enhanced S-cone syndrome (ESCS). Identifiers: Orphanet 53540, MedGen C1849394, MONDO:0100288, MONDO:0009989.
NR2E3-related disorder. Also called: NR2E3-related disorders; NR2E3-related condition. Identifiers: MedGen CN239387.

Allele frequency attached by ClinVar (database versions not stated): gnomAD exomes 0.00002 and 0.00004; ExAC 0.00004; gnomAD 0.00006 and 0.00008; TOPMed 0.00008; ESP Exome Variant Server 0.00032.

Submissions (4):

Labcorp Genetics (formerly Invitae), Labcorp
Classification: Likely benign. Last evaluated: 2025-06-17. Review status: criteria provided, single submitter. Criteria: Invitae Variant Classification Sherloc (09022015). Collection method: clinical testing. Allele origin: germline.

PreventionGenetics, part of Exact Sciences
Classification: Likely benign for NR2E3-related condition. Last evaluated: 2025-05-27. Review status: criteria provided, single submitter. Criteria: ACMG Guidelines, 2015. Collection method: clinical testing. Allele origin: germline.
Comment: This variant is classified as likely benign based on ACMG/AMP sequence variant interpretation guidelines (Richards et al. 2015 PMID: 25741868, with internal and published modifications).

Blueprint Genetics
Classification: Likely benign. Last evaluated: 2022-03-02. Review status: criteria provided, single submitter. Criteria: ACMG Guidelines, 2015. Collection method: clinical testing. Allele origin: germline.

Natera, Inc.
Classification: Likely benign for Enhanced S cone syndrome. Last evaluated: 2021-06-29. Review status: no assertion criteria provided. Collection method: clinical testing. Allele origin: germline. Not counted in ClinVar's aggregate classification.

NM_014249.4(NR2E3):c.150C>T (p.Cys50=)

Gene: NR2E3 (nuclear receptor subfamily 2 group E member 3; plus strand). Cytogenetic location: 15q23.
Variant type: single nucleotide variant.
Coding change: c.150C>T on transcript NM_014249.4 (MANE Select); coding-DNA position 150, C replaced by T.
Protein change: p.Cys50=; no amino-acid change (cysteine 50 retained).
Molecular consequence: synonymous variant.
Genome position (GRCh38, 1-based): chr15:71,811,514, C>T. VCF-style: chr15-71811514-C-T. GRCh37 (hg19) VCF-style: chr15-72103854-C-T.
Other names: c.150C>T, p.Cys50= (NM_016346.4).
Identifiers: ClinVar variation 766646 (VCV000766646.13), dbSNP rs376753500, ClinGen allele CA7640228.